The following is an entry in ClinVar:

ClinVar aggregate classification (germline): Likely benign. Review status: reviewed by expert panel (3 of 4 stars). 2 submissions from 2 submitters: Likely benign (1). 1 of the submissions does not count toward it. Last evaluated 2017-06-29.

Conditions:
Hereditary cancer-predisposing syndrome. Also called: Neoplastic Syndromes, Hereditary; Hereditary neoplastic syndrome; Tumor predisposition; Hereditary Cancer Syndrome. Identifiers: Orphanet 140162, MedGen C0027672, MeSH D009386, MONDO:0015356.
Breast-ovarian cancer, familial, susceptibility to, 1 (BROVCA1). Also called: BRCA1 Hereditary Breast and Ovarian Cancer; OVARIAN CANCER, SUSCEPTIBILITY TO. Identifiers: Orphanet 145, MedGen C2676676, MONDO:0011450, OMIM 604370. Disease mechanism: loss of function.

Allele frequency attached by ClinVar (database versions not stated): gnomAD exomes below 0.00001; ExAC 0.00001.
gnomAD v4.1: 1 of 1,614,098 alleles (0.000062%); highest among the groups gnomAD compares: South Asian, 0.0011%; no homozygotes.

Submissions (2):

Evidence-based Network for the Interpretation of Germline Mutant Alleles (ENIGMA)
Classification: Likely benign for Breast-ovarian cancer, familial, susceptibility to, 1. Last evaluated: 2017-06-29. Review status: reviewed by expert panel. Criteria: ENIGMA BRCA1/2 Classification Criteria (2017-06-29). Collection method: curation. Allele origin: germline.
Comment: Synonymous substitution variant, with low bioinformatic likelihood to result in a splicing aberration (Splicing prior probability 0.02).

Ambry Genetics
Classification: Likely benign for Hereditary cancer-predisposing syndrome. Last evaluated: 2026-01-03. Review status: criteria provided, single submitter. Criteria: Ambry Variant Classification Scheme 2023. Collection method: clinical testing. Allele origin: germline. Not counted in ClinVar's aggregate classification.

NM_007294.4(BRCA1):c.4545G>A (p.Gly1515=)

Gene: BRCA1 (BRCA1 DNA repair associated; minus strand). Cytogenetic location: 17q21.31.
Variant type: single nucleotide variant.
Coding change: c.4545G>A on transcript NM_007294.4 (MANE Select); coding-DNA position 4545, G replaced by A.
Protein change: p.Gly1515=; no amino-acid change (glycine 1515 retained).
Molecular consequence: synonymous variant. On other transcripts: intron variant (3).
Genome position (GRCh38, 1-based): chr17:43,074,461, C>T on the plus strand (G>A on the coding strand, the complement: BRCA1 is on the minus strand). VCF-style: chr17-43074461-C-T. GRCh37 (hg19) VCF-style: chr17-41226478-C-T.
Other names: c.4161G>A, p.Gly1387= (NM_001407962.1, NM_001407960.1); c.4158G>A, p.Gly1386= (NM_001407963.1); c.4038G>A, p.Gly1346= (NM_001407965.1); c.3657G>A, p.Gly1219= (NM_001407966.1); c.3654G>A, p.Gly1218= (NM_001407967.1); c.1941G>A, p.Gly647= (NM_001407968.1); c.1938G>A, p.Gly646= (NM_001407969.1); c.1302G>A, p.Gly434= (NM_001407970.1, NM_001407971.1); and 71 more.
Identifiers: ClinVar variation 427351 (VCV000427351.5), dbSNP rs755731300, ClinGen allele CA052489.
Genomic context (GRCh38, chr17:43,074,461, plus strand): 5'-CTCCACATCAACAACCTTAATGAGCTCCTCTTGAGATGGGTAGTTTCTATTCTGAAGACT[C>T]CCAGAGCAACTGTGCATGTACCACCTATCATCTAATGATGGGCATTTAGAAGGGGATGAC-3'
Protein context (NP_009225.1, residues 1505-1525): DDRWYMHSCS[Gly1515=]SLQNRNYPSQ